The following is an entry in ClinVar:

NM_005732.4(RAD50):c.1793+2T>C

Gene: RAD50 (RAD50 double strand break repair protein; plus strand). Cytogenetic location: 5q31.1.
Variant type: single nucleotide variant.
Coding change: c.1793+2T>C on transcript NM_005732.4 (MANE Select); the canonical splice donor site of the intron after coding-DNA position 1793, T replaced by C.
Molecular consequence: splice donor variant.
Genome position (GRCh38, 1-based): chr5:132,592,036, T>C. VCF-style: chr5-132592036-T-C. GRCh37 (hg19) VCF-style: chr5-131927728-T-C.
Identifiers: ClinVar variation 3429452 (VCV003429452.1).
Genomic context (GRCh38, chr5:132,592,036, plus strand): 5'-TGGCTACATAGTAAATCAAAAGAAATTAATCAGACCAGGGACAGACTTGCCAAATTGAAG[T>C]AAGTTGCAACATTTGGAGATGTAATAGAAATCTCTTATTTCATGCTTACCTGTTTAATTG-3'

ClinVar aggregate classification (germline): Uncertain significance (1 of 4 stars; one submission).

Conditions:
Hereditary cancer-predisposing syndrome. Also called: Neoplastic Syndromes, Hereditary; Tumor predisposition; Hereditary Cancer Syndrome; Hereditary neoplastic syndrome. Identifiers: Orphanet 140162, MedGen C0027672, MeSH D009386, MONDO:0015356.

gnomAD v4.1: 1 of 1,608,614 alleles (0.000062%); highest among the groups gnomAD compares: African/African-American, 0.0013%; no homozygotes.

Submission:

Ambry Genetics
Classification: Uncertain significance for Hereditary cancer-predisposing syndrome. Last evaluated: 2024-08-15. Review status: criteria provided, single submitter. Criteria: Ambry Variant Classification Scheme 2023. Collection method: clinical testing. Allele origin: germline.
Comment: The c.1793+2T>C intronic variant results from a T to C substitution two nucleotides after coding exon 11 in the RAD50 gene. This nucleotide position is highly conserved in available vertebrate species. In silico splice site analysis predicts that this alteration will weaken the native splice donor site and will result in the creation or strengthening of a novel splice donor site. Alterations that disrupt the canonical splice site are expected to cause aberrant splicing, resulting in an abnormal protein or a transcript that is subject to nonsense-mediated mRNA decay; however, +2T>C alterations are capable of generating wild-type transcripts in some genomic contexts and should be interpreted with caution (Lin JH et al. Hum Mutat. 2019 10;40:1856-1873). Based on the available evidence, the clinical significance of this alteration remains unclear.